The following is an entry in ClinVar:

ClinVar aggregate classification (germline): Uncertain significance (1 of 4 stars; one submission).

Conditions:
Ectopia lentis et pupillae. Also called: ECTOPIA LENTIS WITH ECTOPIA OF PUPIL. Identifiers: Orphanet 1885, MedGen C1644196, MONDO:0009153, OMIM 225200.
Ectopia lentis 2, isolated, autosomal recessive (ECTOL2). Identifiers: Orphanet 1885, MedGen C3541474, MONDO:0009152, OMIM 225100.

Allele frequency attached by ClinVar (database versions not stated): TOPMed 0.00001; gnomAD exomes 0.00004 and 0.00008; ExAC 0.00025.
gnomAD v4.1: 57 of 1,574,076 alleles (0.0036%); highest among the groups gnomAD compares: South Asian, 0.06%; no homozygotes.

Submission:

Center for Genomics, Ann and Robert H. Lurie Children's Hospital of Chicago
Classification: Uncertain significance for Ectopia lentis et pupillae; Ectopia lentis 2, isolated, autosomal recessive. Review status: criteria provided, single submitter. Criteria: ACMG Guidelines, 2015. Collection method: clinical testing. Allele origin: germline.
Comment: ADAMTSL4 NM_001288608.1 exon 8 c.1235-9G>A: This variant has not been reported in the literature but is present in 15/25536 South Asian alleles in the Genome Aggregation Database. Evolutionary conservation and computational predictive tools for this variant are limited or unavailable. This variant is an intronic variant; splice prediction tools suggest that this variant may not affect splicing. However, further studies are needed to understand its impact. In summary, data on this variant is insufficient for disease classification. Therefore, the clinical significance of this variant is uncertain.

NM_019032.6(ADAMTSL4):c.1234+90G>A

Genes: ADAMTSL4 (ADAMTS like 4; plus strand), ADAMTSL4-AS2 (ADAMTSL4 antisense RNA 2; minus strand). Cytogenetic location: 1q21.2.
Variant type: single nucleotide variant.
Coding change: c.1234+90G>A on transcript NM_019032.6 (MANE Select); 90 bases into the intron after coding-DNA position 1234, G replaced by A.
Molecular consequence: intron variant.
Genome position (GRCh38, 1-based): chr1:150,554,557, G>A. VCF-style: chr1-150554557-G-A. GRCh37 (hg19) VCF-style: chr1-150527033-G-A.
Other names: c.1235-9G>A (NM_001288608.2, NM_001288607.2); c.1234+90G>A (NM_001378596.1, NM_025008.5).
Identifiers: ClinVar variation 626056 (VCV000626056.3), dbSNP rs762772611, ClinGen allele CA1078181.
Genomic context (GRCh38, chr1:150,554,557, plus strand): 5'-GGTGGCTTGGAATTGGGGATGAAGGGGAGAGGAGATACCTGCTTACTCCCAGCCCTGAAT[G>A]ACTTCCAGCCCCTCTGCTTCCCCTGCGCCATGCCTTCTTTCTTCTCCCTGGGGCTGGGTC-3'